The following is an entry in ClinVar:

NM_002242.4(KCNJ13):c.781A>C (p.Asn261His)

Genes: GIGYF2 (GRB10 interacting GYF protein 2; plus strand), KCNJ13 (potassium inwardly rectifying channel subfamily J member 13; minus strand). Cytogenetic location: 2q37.1.
Variant type: single nucleotide variant.
Coding change: c.781A>C on transcript NM_002242.4 (MANE Select); coding-DNA position 781, A replaced by C.
Protein change: p.Asn261His; replaces asparagine 261 with histidine.
Molecular consequence: missense variant. On other transcripts: 3 prime UTR variant (1), intron variant (4).
Genome position (GRCh38, 1-based): chr2:232,768,493, T>G on the plus strand (A>C on the coding strand, the complement: KCNJ13 is on the minus strand). VCF-style: chr2-232768493-T-G. GRCh37 (hg19) VCF-style: chr2-233633203-T-G.
Other names: c.*260A>C (NM_001172416.1); c.541A>C, p.Asn181His (NM_001172417.1); c.532+7057T>G (NM_001103146.3, NM_015575.4, NM_001103147.2 and 1 more transcripts); short protein forms N261H, N181H.
Identifiers: ClinVar variation 971274 (VCV000971274.7), dbSNP rs772086040, ClinGen allele CA2169986.

ClinVar aggregate classification (germline): Uncertain significance (1 of 4 stars; one submission).

Allele frequency attached by ClinVar (database versions not stated): gnomAD exomes below 0.00001 and 0.00001; ExAC 0.00001; gnomAD 0.00002 and 0.00003; TOPMed 0.00002.
gnomAD v4.1: 6 of 1,614,038 alleles (0.00037%); highest among the groups gnomAD compares: Admixed American, 0.0083%; no homozygotes.

Submission:

Labcorp Genetics (formerly Invitae), Labcorp
Classification: Uncertain significance. Last evaluated: 2024-02-24. Review status: criteria provided, single submitter. Criteria: Invitae Variant Classification Sherloc (09022015). Collection method: clinical testing. Allele origin: germline.
Comment: This sequence change replaces asparagine, which is neutral and polar, with histidine, which is basic and polar, at codon 261 of the KCNJ13 protein (p.Asn261His). This variant is present in population databases (rs772086040, gnomAD 0.003%). This variant has not been reported in the literature in individuals affected with KCNJ13-related conditions. ClinVar contains an entry for this variant (Variation ID: 971274). Advanced modeling of protein sequence and biophysical properties (such as structural, functional, and spatial information, amino acid conservation, physicochemical variation, residue mobility, and thermodynamic stability) performed at Invitae indicates that this missense variant is not expected to disrupt KCNJ13 protein function with a negative predictive value of 80%. In summary, the available evidence is currently insufficient to determine the role of this variant in disease. Therefore, it has been classified as a Variant of Uncertain Significance.